The following is an entry in ClinVar:

ClinVar aggregate classification (germline): Likely benign. Review status: criteria provided, multiple submitters, no conflicts (2 of 4 stars). 2 submissions from 2 submitters: Likely benign (2). Last evaluated 2025-08-28.

Conditions:
GLB1-related disorder. Also called: GLB1-related disorders. Identifiers: MedGen CN377807.

gnomAD v4.1: 351 of 1,563,280 alleles (0.022%); highest among the groups gnomAD compares: Middle Eastern, 0.034%; no homozygotes.

Submissions (2):

PreventionGenetics, part of Exact Sciences
Classification: Likely benign for GLB1-related condition. Last evaluated: 2025-08-28. Review status: criteria provided, single submitter. Criteria: ACMG Guidelines, 2015. Collection method: clinical testing. Allele origin: germline.
Comment: This variant is classified as likely benign based on ACMG/AMP sequence variant interpretation guidelines (Richards et al. 2015 PMID: 25741868, with internal and published modifications).

Blueprint Genetics
Classification: Likely benign. Last evaluated: 2024-09-12. Review status: criteria provided, single submitter. Criteria: ACMG Guidelines, 2015. Collection method: clinical testing. Allele origin: germline.

NM_000404.4(GLB1):c.76-4532G>T

Gene: GLB1 (galactosidase beta 1; minus strand). Cytogenetic location: 3p22.3.
Variant type: single nucleotide variant.
Coding change: c.76-4532G>T on transcript NM_000404.4 (MANE Select); 4532 bases into the intron before coding-DNA position 76, G replaced by T.
Molecular consequence: intron variant.
Genome position (GRCh38, 1-based): chr3:33,077,245, C>A on the plus strand (G>T on the coding strand, the complement: GLB1 is on the minus strand). VCF-style: chr3-33077245-C-A. GRCh37 (hg19) VCF-style: chr3-33118737-C-A.
Other names: c.76-4532G>T (NM_001393580.1, NM_001135602.3); c.76-8G>T (NM_001317040.2, NM_001317040.1); c.-15-4532G>T (NM_001079811.3).
Identifiers: ClinVar variation 4961639 (VCV004961639.2).